The following is an entry in ClinVar:

ClinVar aggregate classification (germline): Uncertain significance (1 of 4 stars; one submission).

Submission:

Greenwood Genetic Center Diagnostic Laboratories, Greenwood Genetic Center
Classification: Uncertain significance. Last evaluated: 2024-10-31. Review status: criteria provided, single submitter. Criteria: ACMG Guidelines, 2015. Collection method: clinical testing. Allele origin: germline. Affected: yes.
Comment: Gene of Uncertain Significance

NM_006937.4(SUMO2):c.270G>T (p.Gln90His)

Gene: SUMO2 (small ubiquitin like modifier 2; minus strand). Cytogenetic location: 17q25.1.
Variant type: single nucleotide variant.
Coding change: c.270G>T on transcript NM_006937.4 (MANE Select); coding-DNA position 270, G replaced by T.
Protein change: p.Gln90His; replaces glutamine 90 with histidine.
Molecular consequence: missense variant.
Genome position (GRCh38, 1-based): chr17:75,168,357, C>A on the plus strand (G>T on the coding strand, the complement: SUMO2 is on the minus strand). VCF-style: chr17-75168357-C-A. GRCh37 (hg19) VCF-style: chr17-73164452-C-A.
Other names: c.198G>T, p.Gln66His (NM_001005849.2); short protein forms Q66H, Q90H.
Identifiers: ClinVar variation 3765740 (VCV003765740.1).